The following is an entry in ClinVar:

ClinVar aggregate classification (germline): Conflicting classifications of pathogenicity. Review status: criteria provided, conflicting classifications (1 of 4 stars). 3 submissions from 3 submitters: Uncertain significance (2); Likely benign (1). Last evaluated 2026-06-01.

Conditions:
AFF4-related disorder. Also called: AFF4-related condition.
Cognitive impairment - coarse facies - heart defects - obesity - pulmonary involvement - short stature - skeletal dysplasia syndrome. Also called: Chops syndrome; AFF4-Related CHOPS Syndrome; COGNITIVE IMPAIRMENT, COARSE FACIES, HEART DEFECTS, OBESITY, PULMONARY INVOLVEMENT, SHORT STATURE, AND SKELETAL DYSPLASIA. Identifiers: Orphanet 444077, MedGen C4085597, MONDO:0014609, OMIM 616368.

Allele frequency attached by ClinVar (database versions not stated): ExAC 0.00002; gnomAD 0.00002 and 0.00003; gnomAD exomes 0.00002; TOPMed 0.00004.
gnomAD v4.1: 30 of 1,613,954 alleles (0.0019%); highest among the groups gnomAD compares: East Asian, 0.0022%; 1 homozygote.

Submissions (3):

PreventionGenetics, part of Exact Sciences
Classification: Uncertain significance for AFF4-related condition. Last evaluated: 2026-06-01. Review status: criteria provided, single submitter. Criteria: ACMG Guidelines, 2015. Collection method: clinical testing. Allele origin: germline.
Comment: The AFF4 c.1865G>A variant is predicted to result in the amino acid substitution p.Arg622Gln. To our knowledge, this variant has not been reported in the literature. This variant is reported in 0.011% of alleles in individuals of East Asian descent in gnomAD, which may be too common to be an undocumented cause of disease. Although we suspect this variant may be benign, at this time, the clinical significance of this variant is uncertain due to the absence of conclusive functional and genetic evidence.

CeGaT Center for Human Genetics Tuebingen
Classification: Likely benign. Last evaluated: 2025-10-01. Review status: criteria provided, single submitter. Criteria: CeGaT Center For Human Genetics Tuebingen Variant Classification Criteria Version 2. Collection method: clinical testing. Allele origin: germline. Affected: yes. Observed: 1 variant allele.
Comment: AFF4: BP4, BS2

Labcorp Genetics (formerly Invitae), Labcorp
Classification: Uncertain significance for Cognitive impairment - coarse facies - heart defects - obesity - pulmonary involvement - short stature - skeletal dysplasia syndrome. Last evaluated: 2024-07-24. Review status: criteria provided, single submitter. Criteria: Invitae Variant Classification Sherloc (09022015). Collection method: clinical testing. Allele origin: germline.
Comment: This sequence change replaces arginine, which is basic and polar, with glutamine, which is neutral and polar, at codon 622 of the AFF4 protein (p.Arg622Gln). This variant is present in population databases (rs780325609, gnomAD 0.006%). This variant has not been reported in the literature in individuals affected with AFF4-related conditions. ClinVar contains an entry for this variant (Variation ID: 1408575). Advanced modeling of protein sequence and biophysical properties (such as structural, functional, and spatial information, amino acid conservation, physicochemical variation, residue mobility, and thermodynamic stability) has been performed at Invitae for this missense variant, however the output from this modeling did not meet the statistical confidence thresholds required to predict the impact of this variant on AFF4 protein function. In summary, the available evidence is currently insufficient to determine the role of this variant in disease. Therefore, it has been classified as a Variant of Uncertain Significance.

NM_014423.4(AFF4):c.1865G>A (p.Arg622Gln)

Gene: AFF4 (ALF transcription elongation factor 4; minus strand). Cytogenetic location: 5q31.1.
Variant type: single nucleotide variant.
Coding change: c.1865G>A on transcript NM_014423.4 (MANE Select); coding-DNA position 1865, G replaced by A.
Protein change: p.Arg622Gln; replaces arginine 622 with glutamine.
Molecular consequence: missense variant.
Genome position (GRCh38, 1-based): chr5:132,896,765, C>T on the plus strand (G>A on the coding strand, the complement: AFF4 is on the minus strand). VCF-style: chr5-132896765-C-T. GRCh37 (hg19) VCF-style: chr5-132232457-C-T.
Other names: c.1865G>A (NM_014423.3); short protein forms R622Q.
Identifiers: ClinVar variation 1408575 (VCV001408575.16), dbSNP rs780325609, ClinGen allele CA3409031.